The following is an entry in ClinVar:

ClinVar aggregate classification (germline): Uncertain significance. Review status: criteria provided, multiple submitters, no conflicts (2 of 4 stars). 5 submissions from 5 submitters: Uncertain significance (4). 1 of the submissions does not count toward it. Last evaluated 2023-09-25.

Conditions:
Usher syndrome type 1F (USH1F). Also called: USHER SYNDROME, TYPE IF. Identifiers: Orphanet 231169, Orphanet 886, MedGen C1865885, MONDO:0011186, OMIM 602083.
Usher syndrome type 1 (USH1). Also called: RETINITIS PIGMENTOSA AND CONGENITAL DEAFNESS. Identifiers: Orphanet 231169, Orphanet 886, MedGen C1568247, MONDO:0010168, OMIM 276900.

Submissions (5):

Blueprint Genetics
Classification: Uncertain significance. Last evaluated: 2023-09-25. Review status: criteria provided, single submitter. Criteria: ACMG Guidelines, 2015. Collection method: clinical testing. Allele origin: germline.

Labcorp Genetics (formerly Invitae), Labcorp
Classification: Uncertain significance. Last evaluated: 2022-06-14. Review status: criteria provided, single submitter. Criteria: Invitae Variant Classification Sherloc (09022015). Collection method: clinical testing. Allele origin: germline.
Comment: This sequence change replaces valine, which is neutral and non-polar, with methionine, which is neutral and non-polar, at codon 156 of the PCDH15 protein (p.Val156Met). This variant is present in population databases (rs534173969, gnomAD 0.08%). This variant has not been reported in the literature in individuals affected with PCDH15-related conditions. ClinVar contains an entry for this variant (Variation ID: 300205). Algorithms developed to predict the effect of missense changes on protein structure and function are either unavailable or do not agree on the potential impact of this missense change (SIFT: "Deleterious"; PolyPhen-2: "Probably Damaging"; Align-GVGD: "Class C0"). In summary, the available evidence is currently insufficient to determine the role of this variant in disease. Therefore, it has been classified as a Variant of Uncertain Significance.

Laboratory for Molecular Medicine, Mass General Brigham Personalized Medicine
Classification: Uncertain significance. Last evaluated: 2019-07-26. Review status: criteria provided, single submitter. Criteria: LMM Criteria. Collection method: clinical testing. Allele origin: germline. Observed: 1 variant allele.
Comment: The p.Val156Met variant in PCDH15 has not been previously reported in individuals with hearing loss or Usher syndrome, but has been reported in ClinVar (Variation ID 300205). It has also been identified in 0.078% (17/21620) of Finnish and in 0.025% (29/113274) of European chromosomes by gnomAD. Computational prediction tools and conservation analysis suggest that this variant may impact the protein, though this information is not predictive enough to determine pathogenicity. In summary, the clinical significance of this variant is uncertain. ACMG/AMP Criteria applied: BS1_Supporting, PP3.

Illumina Laboratory Services, Illumina
Classification: Uncertain significance for Usher syndrome type 1. Last evaluated: 2018-01-12. Review status: criteria provided, single submitter. Criteria: ICSL Variant Classification Criteria 13 December 2019. Collection method: clinical testing. Allele origin: germline.

Natera, Inc.
Classification: Uncertain significance for Usher syndrome type 1F. Last evaluated: 2019-11-11. Review status: no assertion criteria provided. Collection method: clinical testing. Allele origin: germline. Not counted in ClinVar's aggregate classification.

NM_001384140.1(PCDH15):c.466G>A (p.Val156Met)

Gene: PCDH15 (protocadherin related 15; minus strand). Cytogenetic location: 10q21.1.
Variant type: single nucleotide variant.
Coding change: c.466G>A on transcript NM_001384140.1 (MANE Select); coding-DNA position 466, G replaced by A.
Protein change: p.Val156Met; replaces valine 156 with methionine.
Molecular consequence: missense variant.
Genome position (GRCh38, 1-based): chr10:54,369,128, C>T on the plus strand (G>A on the coding strand, the complement: PCDH15 is on the minus strand). VCF-style: chr10-54369128-C-T. GRCh37 (hg19) VCF-style: chr10-56128888-C-T.
Other names: c.481G>A, p.Val161Met (NM_001142763.2, NM_001142769.4, NM_001142771.2); c.466G>A, p.Val156Met (NM_001142764.2, NM_001142765.2, NM_001142766.2 and 8 more transcripts); c.400G>A, p.Val134Met (NM_001142768.2, NM_001142773.2, NM_001354404.2); short protein forms V156M, V161M, V134M.
Identifiers: ClinVar variation 300205 (VCV000300205.12), dbSNP rs534173969, ClinGen allele CA5506693.